The following is an entry in ClinVar:

NM_025132.4(WDR19):c.1911_1914del (p.Phe637fs)

Gene: WDR19 (WD repeat domain 19; plus strand). Cytogenetic location: 4p14.
Variant type: Deletion.
Coding change: c.1911_1914del on transcript NM_025132.4 (MANE Select); coding-DNA positions 1911 to 1914, 4 bases deleted (TCTC; older notation c.1911_1914delTCTC).
Protein change: p.Phe637fs; shifts the reading frame from phenylalanine 637.
Molecular consequence: frameshift variant.
Genome position (GRCh38, 1-based): chr4:39,228,619-39,228,622, TCTC deleted. VCF-style (leftmost placement, unchanged base first): chr4-39228618-TTCTC-T. GRCh37 (hg19) VCF-style: chr4-39230238-TTCTC-T.
Other names: c.1431_1434del, p.Phe477fs (NM_001317924.2); short protein forms F477fs, F637fs.
Identifiers: ClinVar variation 1073132 (VCV001073132.8), dbSNP rs1730535406, ClinGen allele CA1452050989.

ClinVar aggregate classification (germline): Pathogenic (1 of 4 stars; one submission).

Conditions:
Senior-Loken syndrome 8 (SLSN8). Identifiers: Orphanet 3156, MedGen C4225376, MONDO:0014579, OMIM 616307.
Asphyxiating thoracic dystrophy 5 (SRTD5). Also called: SHORT-RIB THORACIC DYSPLASIA 5 WITH OR WITHOUT POLYDACTYLY; SHORT-RIB THORACIC DYSPLASIA 5 WITHOUT POLYDACTYLY. Identifiers: Orphanet 474, MedGen C3280598, MONDO:0013717, OMIM 614376.

Allele frequency attached by ClinVar (database versions not stated): TOPMed below 0.00001.

Submission:

Labcorp Genetics (formerly Invitae), Labcorp
Classification: Pathogenic for Senior-Loken syndrome 8; Asphyxiating thoracic dystrophy 5. Last evaluated: 2022-02-04. Review status: criteria provided, single submitter. Criteria: Invitae Variant Classification Sherloc (09022015). Collection method: clinical testing. Allele origin: germline.
Comment: This sequence change creates a premature translational stop signal (p.Phe637Leufs*4) in the WDR19 gene. It is expected to result in an absent or disrupted protein product. Loss-of-function variants in WDR19 are known to be pathogenic (PMID: 22019273, 23559409, 23683095, 26275793, 27241786, 29068549). This variant is not present in population databases (gnomAD no frequency). This variant has not been reported in the literature in individuals affected with WDR19-related conditions. ClinVar contains an entry for this variant (Variation ID: 1073132). For these reasons, this variant has been classified as Pathogenic.

Literature cited by the submitters: PubMed 22019273; PubMed 23559409; PubMed 23683095; PubMed 26275793; PubMed 27241786; PubMed 29068549.